The following is an entry in ClinVar:

ClinVar aggregate classification (germline): Likely benign (0 of 4 stars; one submission).

Conditions:
KMT2D-related disorder. Also called: KMT2D-Related Disorders.

Submission:

PreventionGenetics, part of Exact Sciences
Classification: Likely benign for KMT2D-related condition. Last evaluated: 2024-09-03. Review status: no assertion criteria provided. Collection method: clinical testing. Allele origin: germline.
Comment: This variant is classified as likely benign based on ACMG/AMP sequence variant interpretation guidelines (Richards et al. 2015 PMID: 25741868, with internal and published modifications).

NM_003482.4(KMT2D):c.13566C>T (p.Pro4522=)

Gene: KMT2D (lysine methyltransferase 2D; minus strand). Cytogenetic location: 12q13.12.
Variant type: single nucleotide variant.
Coding change: c.13566C>T on transcript NM_003482.4 (MANE Select); coding-DNA position 13566, C replaced by T.
Protein change: p.Pro4522=; no amino-acid change (proline 4522 retained).
Molecular consequence: synonymous variant.
Genome position (GRCh38, 1-based): chr12:49,030,998, G>A on the plus strand (C>T on the coding strand, the complement: KMT2D is on the minus strand). VCF-style: chr12-49030998-G-A. GRCh37 (hg19) VCF-style: chr12-49424781-G-A.
Identifiers: ClinVar variation 3345143 (VCV003345143.1).